The following is an entry in ClinVar:

ClinVar aggregate classification (germline): Uncertain significance (1 of 4 stars; one submission).

Conditions:
Autosomal dominant hypocalcemia 1 (HYPOC1). Also called: HYPOCALCEMIA, FAMILIAL. Identifiers: MedGen C3715128, MONDO:0011013, OMIM 601198.
Familial hypocalciuric hypercalcemia (FHH). Also called: Familial benign hypercalcemia. Identifiers: Orphanet 405, MedGen C1809471, MONDO:0018458.

gnomAD v4.1: 1 of 1,613,714 alleles (0.000062%); highest among the groups gnomAD compares: Non-Finnish European, 0.000085%; no homozygotes.

Submission:

Labcorp Genetics (formerly Invitae), Labcorp
Classification: Uncertain significance for Familial hypocalciuric hypercalcemia; Autosomal dominant hypocalcemia 1. Last evaluated: 2024-04-23. Review status: criteria provided, single submitter. Criteria: Invitae Variant Classification Sherloc (09022015). Collection method: clinical testing. Allele origin: germline.
Comment: This sequence change replaces leucine, which is neutral and non-polar, with phenylalanine, which is neutral and non-polar, at codon 730 of the CASR protein (p.Leu730Phe). This variant is not present in population databases (gnomAD no frequency). This missense change has been observed in individual(s) with clinical features of familial hypocalciuric hypercalcemia (PMID: 31672324). ClinVar contains an entry for this variant (Variation ID: 1985545). An algorithm developed to predict the effect of missense changes on protein structure and function (PolyPhen-2) suggests that this variant is likely to be disruptive. In summary, the available evidence is currently insufficient to determine the role of this variant in disease. Therefore, it has been classified as a Variant of Uncertain Significance.

Literature cited by the submitters: PubMed 31672324.

NM_000388.4(CASR):c.2188C>T (p.Leu730Phe)

Gene: CASR (calcium sensing receptor; plus strand). Cytogenetic location: 3q21.1.
Variant type: single nucleotide variant.
Coding change: c.2188C>T on transcript NM_000388.4 (MANE Select); coding-DNA position 2188, C replaced by T.
Protein change: p.Leu730Phe; replaces leucine 730 with phenylalanine.
Molecular consequence: missense variant.
Genome position (GRCh38, 1-based): chr3:122,284,142, C>T. VCF-style: chr3-122284142-C-T. GRCh37 (hg19) VCF-style: chr3-122002989-C-T.
Other names: c.2218C>T, p.Leu740Phe (NM_001178065.2); short protein forms L740F, L730F.
Identifiers: ClinVar variation 1985545 (VCV001985545.4), dbSNP rs1429327115, ClinGen allele CA354158949.
Genomic context (GRCh38, chr3:122,284,142, plus strand): 5'-ATCCCCACCAGCTTCCACCGCAAGTGGTGGGGGCTCAACCTGCAGTTCCTGCTGGTTTTC[C>T]TCTGCACCTTCATGCAGATTGTCATCTGTGTGATCTGGCTCTACACCGCGCCCCCGTCAA-3'
Protein context (NP_000379.3, residues 720-740): GLNLQFLLVF[Leu730Phe]CTFMQIVICV